The following is an entry in ClinVar:

NM_024422.6(DSC2):c.1679C>T (p.Thr560Met)

Gene: DSC2 (desmocollin 2; minus strand). Cytogenetic location: 18q12.1.
Variant type: single nucleotide variant.
Coding change: c.1679C>T on transcript NM_024422.6 (MANE Select); coding-DNA position 1679, C replaced by T.
Protein change: p.Thr560Met; replaces threonine 560 with methionine.
Molecular consequence: missense variant.
Genome position (GRCh38, 1-based): chr18:31,074,892, G>A on the plus strand (C>T on the coding strand, the complement: DSC2 is on the minus strand). VCF-style: chr18-31074892-G-A. GRCh37 (hg19) VCF-style: chr18-28654858-G-A.
Other names: c.1679C>T, p.Thr560Met (NM_004949.5); short protein forms T560M.
Identifiers: ClinVar variation 1056810 (VCV001056810.10), dbSNP rs772775522, ClinGen allele CA032788.

ClinVar aggregate classification (germline): Uncertain significance. Review status: criteria provided, multiple submitters, no conflicts (2 of 4 stars). 4 submissions from 4 submitters: Uncertain significance (4). Last evaluated 2025-01-13.

Conditions:
Arrhythmogenic right ventricular dysplasia 11. Also called: Arrhythmogenic Right Ventricular Dysplasia/Cardiomyopathy11; ARRHYTHMOGENIC RIGHT VENTRICULAR DYSPLASIA, FAMILIAL, 11; Arrhythmogenic right ventricular dysplasia 11 with mild palmoplantar keratoderma and woolly hair. Identifiers: MedGen C1864850, MONDO:0012506, OMIM 610476.
Cardiomyopathy (CMYO). Also called: Cardiomyopathies. Identifiers: Orphanet 167848, MedGen C0878544, MONDO:0004994, HP:0001638. Inheritance: Various modes of inheritance.
Familial isolated arrhythmogenic right ventricular dysplasia. Identifiers: Orphanet 217656, MedGen C4274968, MONDO:0016342.

Allele frequency attached by ClinVar (database versions not stated): gnomAD 0.00001; gnomAD exomes 0.00002; TOPMed below 0.00001; ExAC 0.00002.
gnomAD v4.1: 26 of 1,613,400 alleles (0.0016%); highest among the groups gnomAD compares: East Asian, 0.0022%; no homozygotes.

Submissions (4):

Color Diagnostics, LLC DBA Color Health
Classification: Uncertain significance for Cardiomyopathy. Last evaluated: 2025-01-13. Review status: criteria provided, single submitter. Criteria: ACMG Guidelines, 2015. Collection method: clinical testing. Allele origin: germline.
Comment: This missense variant replaces threonine with methionine at codon 560 of the DSC2 protein. Computational prediction suggests that this variant may not impact protein structure and function. To our knowledge, functional studies have not been reported for this variant. This variant has not been reported in individuals affected with cardiovascular disorders in the literature. This variant has been identified in 4/250114 chromosomes in the general population by the Genome Aggregation Database (gnomAD). The available evidence is insufficient to determine the role of this variant in disease conclusively. Therefore, this variant is classified as a Variant of Uncertain Significance.

All of Us Research Program, National Institutes of Health
Classification: Uncertain significance for Familial isolated arrhythmogenic right ventricular dysplasia. Last evaluated: 2023-08-28. Review status: criteria provided, single submitter. Criteria: ACMG Guidelines, 2015. Collection method: clinical testing. Allele origin: germline. Inheritance: Autosomal dominant inheritance. Observed: 4 variant alleles, 4 heterozygotes.
Comment: This missense variant replaces threonine with methionine at codon 560 of the DSC2 protein. Computational prediction suggests that this variant may not impact protein structure and function (internally defined REVEL score threshold <= 0.5, PMID: 27666373). To our knowledge, functional studies have not been reported for this variant. This variant has not been reported in individuals affected with cardiovascular disorders in the literature. This variant has been identified in 4/250114 chromosomes in the general population by the Genome Aggregation Database (gnomAD). The available evidence is insufficient to determine the role of this variant in disease conclusively. Therefore, this variant is classified as a Variant of Uncertain Significance.

This study involves interpretation of variants in research participants for the purpose of population health screening. Participant phenotype was not available at the time of variant classification. Additional details can be found in publication PMID: 35346344, PMCID: PMC8962531

Labcorp Genetics (formerly Invitae), Labcorp
Classification: Uncertain significance for Arrhythmogenic right ventricular dysplasia 11. Last evaluated: 2022-07-05. Review status: criteria provided, single submitter. Criteria: Invitae Variant Classification Sherloc (09022015). Collection method: clinical testing. Allele origin: germline.
Comment: This sequence change replaces threonine, which is neutral and polar, with methionine, which is neutral and non-polar, at codon 560 of the DSC2 protein (p.Thr560Met). This variant is present in population databases (rs772775522, gnomAD 0.01%). This variant has not been reported in the literature in individuals affected with DSC2-related conditions. ClinVar contains an entry for this variant (Variation ID: 1056810). Algorithms developed to predict the effect of missense changes on protein structure and function are either unavailable or do not agree on the potential impact of this missense change (SIFT: "Tolerated"; PolyPhen-2: "Possibly Damaging"; Align-GVGD: "Class C0"). In summary, the available evidence is currently insufficient to determine the role of this variant in disease. Therefore, it has been classified as a Variant of Uncertain Significance.

GeneDx
Classification: Uncertain significance. Last evaluated: 2019-08-28. Review status: criteria provided, single submitter. Criteria: GeneDx Variant Classification Process June 2021. Collection method: clinical testing. Allele origin: germline. Affected: yes.
Comment: Has not been previously published in individuals with DSC2-related disease to our knowledge; Not observed at a significant frequency in large population cohorts (Lek et al., 2016); In silico analysis, which includes protein predictors and evolutionary conservation, supports a deleterious effect; This variant is associated with the following publications: (PMID: 30942563)